The following is an entry in ClinVar:

ClinVar aggregate classification (germline): Benign/Likely benign. Review status: criteria provided, multiple submitters, no conflicts (2 of 4 stars). 5 submissions from 5 submitters: Benign (1); Likely benign (4). Last evaluated 2025-08-31.

Conditions:
Birt-Hogg-Dube syndrome 1 (BHD1). Also called: FIBROFOLLICULOMAS WITH TRICHODISCOMAS AND ACROCHORDONS. Identifiers: Orphanet 122, MedGen CN375946, MONDO:0800445, OMIM 135150.
Hereditary cancer-predisposing syndrome. Also called: Hereditary neoplastic syndrome; Neoplastic Syndromes, Hereditary; Tumor predisposition; Hereditary Cancer Syndrome. Identifiers: Orphanet 140162, MedGen C0027672, MeSH D009386, MONDO:0015356.
Birt-Hogg-Dube syndrome. Also called: Birt Hogg Dubé syndrome. Identifiers: Orphanet 122, MedGen C0346010, MONDO:0800444.

Allele frequency attached by ClinVar (database versions not stated): gnomAD 0.00001 and 0.00002; gnomAD exomes 0.00001 and 0.00002; ExAC 0.00002; TOPMed 0.00004; 1000 Genomes Project 30x 0.00031; 1000 Genomes Project 0.00040.

Submissions (5):

Labcorp Genetics (formerly Invitae), Labcorp
Classification: Likely benign for Birt-Hogg-Dube syndrome. Last evaluated: 2025-08-31. Review status: criteria provided, single submitter. Criteria: Invitae Variant Classification Sherloc (09022015). Collection method: clinical testing. Allele origin: germline.

Myriad Genetics, Inc.
Classification: Benign for Birt-Hogg-Dube syndrome 1. Last evaluated: 2024-10-23. Review status: criteria provided, single submitter. Criteria: Myriad Autosomal Dominant, Autosomal Recessive and X-Linked Classification Criteria (2023). Collection method: clinical testing. Allele origin: unknown.
Comment: This variant is considered benign. This variant is a silent/synonymous amino acid change and it is not expected to impact splicing.

Quest Diagnostics Nichols Institute San Juan Capistrano
Classification: Likely benign. Last evaluated: 2022-10-07. Review status: criteria provided, single submitter. Criteria: Quest Diagnostics criteria. Collection method: clinical testing. Allele origin: unknown.

Sema4
Classification: Likely benign for Hereditary cancer-predisposing syndrome. Last evaluated: 2022-02-05. Review status: criteria provided, single submitter. Criteria: Sema4 Curation Guidelines. Collection method: curation. Allele origin: germline.

Ambry Genetics
Classification: Likely benign for Hereditary cancer-predisposing syndrome. Last evaluated: 2016-08-01. Review status: criteria provided, single submitter. Criteria: Ambry Variant Classification Scheme 2023. Collection method: clinical testing. Allele origin: germline.

NM_144997.7(FLCN):c.915A>G (p.Glu305=)

Gene: FLCN (folliculin; minus strand). Cytogenetic location: 17p11.2.
Variant type: single nucleotide variant.
Coding change: c.915A>G on transcript NM_144997.7 (MANE Select); coding-DNA position 915, A replaced by G.
Protein change: p.Glu305=; no amino-acid change (glutamic acid 305 retained).
Molecular consequence: synonymous variant.
Genome position (GRCh38, 1-based): chr17:17,219,166, T>C on the plus strand (A>G on the coding strand, the complement: FLCN is on the minus strand). VCF-style: chr17-17219166-T-C. GRCh37 (hg19) VCF-style: chr17-17122480-T-C.
Other names: c.915A>G (LRG_325t1, NM_144997.6); c.969A>G, p.Glu323= (NM_001353229.2); c.915A>G, p.Glu305= (NM_001353230.2, NM_001353231.2).
Identifiers: ClinVar variation 485604 (VCV000485604.18), dbSNP rs551034228, ClinGen allele CA8416195.